The following is an entry in ClinVar:

NM_003119.4(SPG7):c.1967G>C (p.Arg656Pro)

Gene: SPG7 (SPG7 matrix AAA peptidase subunit, paraplegin; plus strand). Cytogenetic location: 16q24.3.
Variant type: single nucleotide variant.
Coding change: c.1967G>C on transcript NM_003119.4 (MANE Select); coding-DNA position 1967, G replaced by C.
Protein change: p.Arg656Pro; replaces arginine 656 with proline.
Molecular consequence: missense variant.
Genome position (GRCh38, 1-based): chr16:89,553,824, G>C. VCF-style: chr16-89553824-G-C. GRCh37 (hg19) VCF-style: chr16-89620232-G-C.
Other names: c.1967G>C, p.Arg656Pro (NM_001363850.1); short protein forms R656P.
Identifiers: ClinVar variation 981053 (VCV000981053.12), dbSNP rs373143136, ClinGen allele CA397433743.

ClinVar aggregate classification (germline): Conflicting classifications of pathogenicity. Review status: criteria provided, conflicting classifications (1 of 4 stars). 2 submissions from 2 submitters: Pathogenic (1); Uncertain significance (1). Last evaluated 2021-04-02.

Conditions:
Hereditary spastic paraplegia 7 (SPG7). Also called: SPASTIC PARAPLEGIA 7, AUTOSOMAL RECESSIVE, WITH OR WITHOUT CEREBELLAR ATAXIA; Spastic paraplegia 7; Hereditary spastic paraplegia Paraplegin type; Autosomal recessive spastic paraplegia type 7; SPG7-related neurologic disorder. Identifiers: Orphanet 99013, MedGen C1846564, MONDO:0011803, OMIM 607259.

Submissions (2):

Labcorp Genetics (formerly Invitae), Labcorp
Classification: Pathogenic for Hereditary spastic paraplegia 7. Last evaluated: 2021-04-02. Review status: criteria provided, single submitter. Criteria: Invitae Variant Classification Sherloc (09022015). Collection method: clinical testing. Allele origin: germline.
Comment: For these reasons, this variant has been classified as Pathogenic. Advanced modeling of protein sequence and biophysical properties (such as structural, functional, and spatial information, amino acid conservation, physicochemical variation, residue mobility, and thermodynamic stability) performed at Invitae indicates that this missense variant is expected to disrupt SPG7 protein function. This variant has been observed in individual(s) with clinical features of hereditary spastic paraplegia (Invitae). It has also been observed to segregate with disease in related individuals. ClinVar contains an entry for this variant (Variation ID: 981053). This variant is not present in population databases (ExAC no frequency). This sequence change replaces arginine with proline at codon 656 of the SPG7 protein (p.Arg656Pro). The arginine residue is moderately conserved and there is a moderate physicochemical difference between arginine and proline.

Institute of Human Genetics, University of Goettingen
Classification: Uncertain significance for Hereditary spastic paraplegia 7. Last evaluated: 2020-05-26. Review status: criteria provided, single submitter. Criteria: ACMG Guidelines, 2015. Collection method: clinical testing. Allele origin: unknown. Inheritance: Autosomal recessive inheritance. Affected: yes. Observed: 1 heterozygote.
Comment: The variant has a allel frequence of 0.000007971 in controls (gnomAD).